The following is an entry in ClinVar:

ClinVar aggregate classification (germline): Uncertain significance (1 of 4 stars; one submission).

Conditions:
TET3-related disorder. Also called: TET3-related condition; TET3-Related Disease.

gnomAD v4.1: 2 of 1,446,246 alleles (0.00014%); highest among the groups gnomAD compares: Non-Finnish European, 0.00018%; no homozygotes.

Submission:

PreventionGenetics, part of Exact Sciences
Classification: Uncertain significance for TET3-related condition. Last evaluated: 2025-03-07. Review status: criteria provided, single submitter. Criteria: ACMG Guidelines, 2015. Collection method: clinical testing. Allele origin: germline.
Comment: The TET3 c.5376C>A variant is predicted to result in the amino acid substitution p.Ser1792Arg. To our knowledge, this variant has not been reported in the literature or in a large population database (gnomAD), indicating this variant is rare. At this time, the clinical significance of this variant is uncertain due to the absence of conclusive functional and genetic evidence.

NM_001287491.2(TET3):c.5376C>A (p.Ser1792Arg)

Gene: TET3 (tet methylcytosine dioxygenase 3; plus strand). Cytogenetic location: 2p13.1.
Variant type: single nucleotide variant.
Coding change: c.5376C>A on transcript NM_001287491.2 (MANE Select); coding-DNA position 5376, C replaced by A.
Protein change: p.Ser1792Arg; replaces serine 1792 with arginine.
Molecular consequence: missense variant.
Genome position (GRCh38, 1-based): chr2:74,102,164, C>A. VCF-style: chr2-74102164-C-A. GRCh37 (hg19) VCF-style: chr2-74329291-C-A.
Other names: c.5097C>A, p.Ser1699Arg (NM_001366022.1); short protein forms S1699R, S1792R.
Identifiers: ClinVar variation 4982350 (VCV004982350.1).
Genomic context (GRCh38, chr2:74,102,164, plus strand): 5'-CACAGACTCGGCGGTCACCGTGTCCTCCTATGCCTACACGAAGGTCACTGGCCCCTACAG[C>A]CGCTGGATCTAGGTGCCAGGGAGCCAGCGTACCTCAGCGTCGGGCCTGGCCCGAGCTGTC-3'
Protein context (NP_001274420.1, residues 1782-1795): YAYTKVTGPY[Ser1792Arg]RWI